The following is an entry in ClinVar:

ClinVar aggregate classification (germline): Likely pathogenic. Review status: reviewed by expert panel (3 of 4 stars). 5 submissions from 5 submitters: Likely pathogenic (1). 4 of the submissions do not count toward it. Last evaluated 2024-11-11.

Conditions:
Primary Mitochondrial Disorders. Identifiers: MedGen CN381104.
Myelodysplastic syndrome (MDS). Also called: Myelodysplastic syndrome, somatic; MYELODYSPLASTIC SYNDROME, SUSCEPTIBILITY TO; Myelodysplastic syndromes. Identifiers: Orphanet 52688, MedGen C3463824, MeSH D009190, MONDO:0018881, OMIM 614286.
Mitochondrial disease. Also called: Mitochondrial disorder; Mitochondrial disorders. Identifiers: Orphanet 68380, MedGen C0751651, MeSH D028361, MONDO:0044970.
MELAS syndrome (MELAS). Also called: Juvenile myopathy, encephalopathy, lactic acidosis, stroke. Identifiers: Orphanet 550, MedGen C0162671, MONDO:0010789, OMIM 540000.

Submissions (5):

ClinGen Mitochondrial Disease Nuclear and Mitochondrial  Variant Curation Expert Panel, ClinGen
Classification: Likely pathogenic for Mitochondrial disease. Last evaluated: 2024-11-11. Review status: reviewed by expert panel. Criteria: clingen mito disease acmg specifications v1-1. Collection method: curation. Allele origin: germline. Inheritance: Mitochondrial inheritance.
Comment: The m.3242G>A variant in MT-TL1 has been reported in at least six unrelated individuals with primary mitochondrial disease (PMIDs: 15870203, 19460299, 10214753, 21364701, 14576046, 22781753, 24667782, 31965079, 37038312; PS4_moderate). Clinical features in affected individuals include Leigh syndrome spectrum disorder, encephalomyopathy, myopathy, hypertrophic and dilated cardiomyopathy, and renal insufficiency. The variant occurred de novo in two of these individuals (PMID: 22781753; PM6_supporting). There are no families reported where the variant segregated with clinical manifestations. This variant is absent in the GenBank dataset, Helix dataset, and gnomAD v3.1.2 (PM2_supporting). In silico predictors are conflicting as the computational predictor MitoTIP suggests this variant is likely benign (18.5 percentile) but HmtVAR predicts it to be possibly pathogenic with a score of 0.6. A cybrid study (PMID: 19460299) from cells derived from the index case (PMID: 15870203) demonstrated reduced activity of complex IV. Additional studies showed this variant eliminated transcriptional termination activity with a modest decrease (30%–50%) of mtRNase P activity (PMID: 20550934), and that this variant was associated with decreased single-turnover methyltransferase and cleavage activity of human mitochondrial mtRNase P (PS3_moderate). In summary, this variant meets criteria to be classified as likely pathogenic for primary mitochondrial disease inherited in a mitochondrial manner. This classification was approved by the NICHD/NINDS U24 ClinGen Mitochondrial Disease Variant Curation Expert Panel on November 11, 2024. Mitochondrial DNA-specific ACMG/AMP criteria applied (PMID: 32906214): PS4_moderate, PS3_moderate, PM2_supporting, PM6_supporting.

Variantyx, Inc.
Classification: Pathogenic for Primary mitochondrial disorders. Last evaluated: 2025-11-10. Review status: criteria provided, single submitter. Criteria: Variantyx Assertion Criteria 2022. Collection method: clinical testing. Allele origin: germline. Not counted in ClinVar's aggregate classification.
Comment: The m.3243A>G change is a variant in the MT-TL1 gene which encodes the mitochondrial transfer RNA for leucine. Pathogenic variants in this gene have been associated with primary mitochondrial disorders. This variant is one of the most common pathogenic variants in the mitochondrial genome and it has been reported in many unrelated affected individuals (PMID: 17823937, 38465286, 38397113) (PS4_Very_Strong). The m.3243A>G variant was initially identified in patients with mitochondrial myopathy, encephalopathy, lactic acidosis, and stroke-like episodes (MELAS) syndrome (PMID: 2102678; 20301411). It is absent from control populations (PM2). The alteration disrupts the mitochondrial leucine tRNA (UUR) D-loop domain, leading to a reduction of oxidative phosphorylation activity. Computational algorithms support a deleterious effect on the gene or gene product (Aggregate Predicted Severity Score: 0.83) (PP3). An alternate nucleotide substitution at this position been previously reported as pathogenic (PMID: 12729737, 32273537, 20471262) (PS1_Supporting). Other reputable laboratories have reported this variant as pathogenic or likely pathogenic, and this classification has been validated by an expert panel in ClinVar (PP5). Based on the current evidence, this variant is classified as pathogenic for primary mitochondrial disorders. The clinical presentation associated with the m.3243A>G variant is highly variable and depends on the total percentage of abnormal mitochondria and their tissue-specific distribution. Recent epidemiological studies found that the most frequent presentation is maternally inherited diabetes and deafness (PMID: 24375076; 24011700; 23355809).

Mendelics
Classification: Pathogenic for MELAS syndrome. Last evaluated: 2022-05-04. Review status: criteria provided, single submitter. Criteria: Mendelics Assertion Criteria 2019. Collection method: clinical testing. Allele origin: germline. Not counted in ClinVar's aggregate classification.

Wong Mito Lab, Molecular and Human Genetics, Baylor College of Medicine
Classification: Likely pathogenic for MELAS syndrome. Last evaluated: 2019-07-12. Review status: criteria provided, single submitter. Criteria: Modified ACMG Guidelines (Unpublished). Collection method: clinical testing. Allele origin: germline. Not counted in ClinVar's aggregate classification.
Comment: The NC_012920.1:m.3242G>A variant in MT-TL1 gene is interpreted to be a Likely Pathogenic variant based on the modified ACMG guidelines (unpublished). This variant meets the following evidence codes reported in the guidelines: PS5, PM9, PM10

OMIM
Classification: Pathogenic for MYELODYSPLASTIC SYNDROME, SOMATIC. Last evaluated: 2010-06-11. Review status: no assertion criteria provided. Collection method: literature only. Allele origin: somatic. Not counted in ClinVar's aggregate classification.

Literature cited by the submitters: PubMed 19460299 (cited by ClinGen Mitochondrial Disease Nuclear and Mitochondrial  Variant Curation Expert Panel, ClinGen and Wong Mito Lab, Molecular and Human Genetics, Baylor College of Medicine); PubMed 33380464 (cited by ClinGen Mitochondrial Disease Nuclear and Mitochondrial  Variant Curation Expert Panel, ClinGen); PubMed 20550934 (cited by ClinGen Mitochondrial Disease Nuclear and Mitochondrial  Variant Curation Expert Panel, ClinGen and OMIM); PubMed 31965079 (cited by Wong Mito Lab, Molecular and Human Genetics, Baylor College of Medicine); PubMed 15870203 (cited by Wong Mito Lab, Molecular and Human Genetics, Baylor College of Medicine); PubMed 22781753 (cited by Wong Mito Lab, Molecular and Human Genetics, Baylor College of Medicine); PubMed 14576046 (cited by OMIM).

NC_012920.1(MT-TL1):m.3242G>A

Gene: MT-TL1 (mitochondrially encoded tRNA leucine 1 (UUA/G); plus strand).
Variant type: single nucleotide variant.
Genome position: chrM-3242-G-A.
Other names: 3242G-A.
Identifiers: ClinVar variation 9600 (VCV000009600.4), dbSNP rs193303018, ClinGen allele CA280144.